The following is an entry in ClinVar:

ClinVar aggregate classification (germline): Uncertain significance. Review status: criteria provided, multiple submitters, no conflicts (2 of 4 stars). 2 submissions from 2 submitters: Uncertain significance (2). Last evaluated 2024-11-26.

Conditions:
Inborn genetic diseases. Identifiers: MedGen C0950123, MeSH D030342.

Allele frequency attached by ClinVar (database versions not stated): TOPMed below 0.00001.
gnomAD v4.1: 3 of 1,614,020 alleles (0.00019%); no homozygotes.

Submissions (2):

Ambry Genetics
Classification: Uncertain significance for Inborn genetic diseases. Last evaluated: 2024-11-26. Review status: criteria provided, single submitter. Criteria: Ambry Variant Classification Scheme 2023. Collection method: clinical testing. Allele origin: germline.
Comment: The p.S336G variant (also known as c.1006A>G), located in coding exon 1 of the SAMD9 gene, results from an A to G substitution at nucleotide position 1006. The serine at codon 336 is replaced by glycine, an amino acid with similar properties. This amino acid position is conserved. In addition, this alteration is predicted to be tolerated by in silico analysis. Based on the available evidence, the clinical significance of this variant remains unclear.

Labcorp Genetics (formerly Invitae), Labcorp
Classification: Uncertain significance. Last evaluated: 2023-12-25. Review status: criteria provided, single submitter. Criteria: Invitae Variant Classification Sherloc (09022015). Collection method: clinical testing. Allele origin: germline.
Comment: This sequence change replaces serine, which is neutral and polar, with glycine, which is neutral and non-polar, at codon 336 of the SAMD9 protein (p.Ser336Gly). This variant is not present in population databases (gnomAD no frequency). This variant has not been reported in the literature in individuals affected with SAMD9-related conditions. Advanced modeling of protein sequence and biophysical properties (such as structural, functional, and spatial information, amino acid conservation, physicochemical variation, residue mobility, and thermodynamic stability) performed at Invitae indicates that this missense variant is not expected to disrupt SAMD9 protein function with a negative predictive value of 95%. In summary, the available evidence is currently insufficient to determine the role of this variant in disease. Therefore, it has been classified as a Variant of Uncertain Significance.

NM_017654.4(SAMD9):c.1006A>G (p.Ser336Gly)

Gene: SAMD9 (sterile alpha motif domain containing 9; minus strand). Cytogenetic location: 7q21.2.
Variant type: single nucleotide variant.
Coding change: c.1006A>G on transcript NM_017654.4 (MANE Select); coding-DNA position 1006, A replaced by G.
Protein change: p.Ser336Gly; replaces serine 336 with glycine.
Molecular consequence: missense variant.
Genome position (GRCh38, 1-based): chr7:93,105,092, T>C on the plus strand (A>G on the coding strand, the complement: SAMD9 is on the minus strand). VCF-style: chr7-93105092-T-C. GRCh37 (hg19) VCF-style: chr7-92734405-T-C.
Other names: c.1006A>G, p.Ser336Gly (NM_001193307.2); c.1006A>G (NM_017654.3); short protein forms S336G.
Identifiers: ClinVar variation 2867475 (VCV002867475.2), dbSNP rs1791610505, ClinGen allele CA368202746.
Genomic context (GRCh38, chr7:93,105,092, plus strand): 5'-TATTTTTCGTAATGTCCTTAGAGCTGGTCCCATCTCGCACAAATAGTGAGAATTTTTTAC[T>C]TTGTTCCCATATTTTGTTGTTGTAATTTTGCATTTTAATCTGGAAATAATCATATTGGCA-3'
Protein context (NP_060124.2, residues 326-346): QNYNNKIWEQ[Ser336Gly]KKFSLFVRDG